The following is an entry in ClinVar:

ClinVar aggregate classification (germline): Pathogenic (1 of 4 stars; one submission).

Submission:

Labcorp Genetics (formerly Invitae), Labcorp
Classification: Pathogenic. Last evaluated: 2022-08-19. Review status: criteria provided, single submitter. Criteria: Invitae Variant Classification Sherloc (09022015). Collection method: clinical testing. Allele origin: germline.
Comment: This variant results in the deletion of part of exon 7 (c.733-156_802del) of the PHEX gene. It is expected to disrupt RNA splicing. Variants that disrupt the donor or acceptor splice site typically lead to a loss of protein function (PMID: 16199547), and loss-of-function variants in PHEX are known to be pathogenic (PMID: 9097956, 9106524, 19219621). This variant is not present in population databases (gnomAD no frequency). This variant has not been reported in the literature in individuals affected with PHEX-related conditions. Algorithms developed to predict the effect of sequence changes on RNA splicing suggest that this variant may disrupt the consensus splice site. This variant disrupts a region of the PHEX protein in which other variant(s) (p.Phe252Ser) have been determined to be pathogenic (PMID: 11502829; Invitae). This suggests that this is a clinically significant region of the protein, and that variants that disrupt it are likely to be disease-causing. For these reasons, this variant has been classified as Pathogenic.

Literature cited by the submitters: PubMed 16199547; PubMed 9097956; PubMed 9106524; PubMed 19219621; PubMed 11502829.

NM_000444.6(PHEX):c.733-156_802del

Gene: PHEX (phosphate regulating endopeptidase X-linked; plus strand). Cytogenetic location: Xp22.11.
Variant type: Deletion.
Coding change: c.733-156_802del on transcript NM_000444.6 (MANE Select); 156 bases into the intron before coding-DNA position 733 through coding-DNA position 802, 226 bases deleted.
Molecular consequence: splice acceptor variant.
Genome position (GRCh38, 1-based): chrX:22,093,827-22,094,052, 226 bases deleted. GRCh37 (hg19): chrX:22,111,945-22,112,170.
Other names: c.733-156_802del (NM_001282754.2).
Identifiers: ClinVar variation 2024884 (VCV002024884.4), dbSNP rs2519771686, ClinGen allele CA2580100476.